The following is an entry in ClinVar:

NM_198253.3(TERT):c.1390T>C (p.Phe464Leu)

Gene: TERT (telomerase reverse transcriptase; minus strand). Cytogenetic location: 5p15.33.
Variant type: single nucleotide variant.
Coding change: c.1390T>C on transcript NM_198253.3 (MANE Select); coding-DNA position 1390, T replaced by C.
Protein change: p.Phe464Leu; replaces phenylalanine 464 with leucine.
Molecular consequence: missense variant. On other transcripts: non-coding transcript variant (2).
Genome position (GRCh38, 1-based): chr5:1,293,496, A>G on the plus strand (T>C on the coding strand, the complement: TERT is on the minus strand). VCF-style: chr5-1293496-A-G. GRCh37 (hg19) VCF-style: chr5-1293611-A-G.
Other names: c.1390T>C, p.Phe464Leu (NM_001193376.3, NM_003219.1); short protein forms F464L.
Identifiers: ClinVar variation 2141439 (VCV002141439.5), dbSNP rs1751127312, ClinGen allele CA359085841.

ClinVar aggregate classification (germline): Uncertain significance. Review status: criteria provided, multiple submitters, no conflicts (2 of 4 stars). 2 submissions from 2 submitters: Uncertain significance (2). Last evaluated 2025-07-15.

Conditions:
Idiopathic Pulmonary Fibrosis. Also called: Idiopathic fibrosing alveolitis, chronic form; idiopathic fibrosing alveolitis. Identifiers: Orphanet 2032, MedGen C1800706, MeSH D054990, MONDO:0800504.
Dyskeratosis congenita, autosomal dominant 2. Identifiers: MedGen C3151443, MONDO:0013521, OMIM 613989.
Dyskeratosis congenita. Identifiers: Orphanet 1775, MedGen C0265965, MONDO:0015780.

Submissions (2):

Ambry Genetics
Classification: Uncertain significance for Dyskeratosis congenita. Last evaluated: 2025-07-15. Review status: criteria provided, single submitter. Criteria: Ambry Variant Classification Scheme 2023. Collection method: clinical testing. Allele origin: germline.
Comment: The p.F464L variant (also known as c.1390T>C), located in coding exon 2 of the TERT gene, results from a T to C substitution at nucleotide position 1390. The phenylalanine at codon 464 is replaced by leucine, an amino acid with highly similar properties. This amino acid position is conserved. In addition, the in silico prediction for this alteration is inconclusive. Based on the available evidence, the clinical significance of this variant remains unclear.

Labcorp Genetics (formerly Invitae), Labcorp
Classification: Uncertain significance for Dyskeratosis congenita, autosomal dominant 2; Idiopathic Pulmonary Fibrosis. Last evaluated: 2022-07-25. Review status: criteria provided, single submitter. Criteria: Invitae Variant Classification Sherloc (09022015). Collection method: clinical testing. Allele origin: germline.
Comment: In summary, the available evidence is currently insufficient to determine the role of this variant in disease. Therefore, it has been classified as a Variant of Uncertain Significance. Advanced modeling of protein sequence and biophysical properties (such as structural, functional, and spatial information, amino acid conservation, physicochemical variation, residue mobility, and thermodynamic stability) performed at Invitae indicates that this missense variant is expected to disrupt TERT protein function. This variant has not been reported in the literature in individuals affected with TERT-related conditions. This variant is not present in population databases (gnomAD no frequency). This sequence change replaces phenylalanine, which is neutral and non-polar, with leucine, which is neutral and non-polar, at codon 464 of the TERT protein (p.Phe464Leu).